The following is an entry in ClinVar:

ClinVar aggregate classification (germline): Pathogenic. Review status: reviewed by expert panel (3 of 4 stars). 2 submissions from 2 submitters: Pathogenic (1). 1 of the submissions does not count toward it. Last evaluated 2016-10-18.

Conditions:
Breast-ovarian cancer, familial, susceptibility to, 2 (BROVCA2). Also called: BRCA2 Hereditary Breast and Ovarian Cancer. Identifiers: Orphanet 145, MedGen C2675520, MONDO:0012933, OMIM 612555. Disease mechanism: loss of function.

Submissions (2):

Evidence-based Network for the Interpretation of Germline Mutant Alleles (ENIGMA)
Classification: Pathogenic for Breast-ovarian cancer, familial, susceptibility to, 2. Last evaluated: 2016-10-18. Review status: reviewed by expert panel. Criteria: ENIGMA BRCA1/2 Classification Criteria (2015). Collection method: curation. Allele origin: germline.
Comment: Variant allele predicted to encode a truncated non-functional protein.

Consortium of Investigators of Modifiers of BRCA1/2 (CIMBA), c/o University of Cambridge
Classification: Pathogenic for Breast-ovarian cancer, familial, susceptibility to, 2. Last evaluated: 2015-10-02. Review status: criteria provided, single submitter. Criteria: CIMBA Mutation Classification guidelines May 2016. Collection method: clinical testing. Allele origin: germline. Not counted in ClinVar's aggregate classification.

NM_000059.4(BRCA2):c.8451T>A (p.Cys2817Ter)

Gene: BRCA2 (BRCA2 DNA repair associated; plus strand). Cytogenetic location: 13q13.1.
Variant type: single nucleotide variant.
Coding change: c.8451T>A on transcript NM_000059.4 (MANE Select); coding-DNA position 8451, T replaced by A.
Protein change: p.Cys2817Ter; replaces cysteine 2817 with a stop codon.
Molecular consequence: nonsense.
Genome position (GRCh38, 1-based): chr13:32,370,521, T>A. VCF-style: chr13-32370521-T-A. GRCh37 (hg19) VCF-style: chr13-32944658-T-A.
Other names: 8679T>A C2817X; short protein forms C2817*.
Identifiers: ClinVar variation 52591 (VCV000052591.7), dbSNP rs397507987, ClinGen allele CA025650.